The following is an entry in ClinVar:

NM_153704.6(TMEM67):c.2513A>G (p.Gln838Arg)

Gene: TMEM67 (transmembrane protein 67; plus strand). Cytogenetic location: 8q22.1.
Variant type: single nucleotide variant.
Coding change: c.2513A>G on transcript NM_153704.6 (MANE Select); coding-DNA position 2513, A replaced by G.
Protein change: p.Gln838Arg; replaces glutamine 838 with arginine.
Molecular consequence: missense variant. On other transcripts: non-coding transcript variant (1).
Genome position (GRCh38, 1-based): chr8:93,808,913, A>G. VCF-style: chr8-93808913-A-G. GRCh37 (hg19) VCF-style: chr8-94821141-A-G.
Other names: c.2270A>G, p.Gln757Arg (NM_001142301.1); short protein forms Q757R, Q838R.
Identifiers: ClinVar variation 4996728 (VCV004996728.1).

ClinVar aggregate classification (germline): Uncertain significance (1 of 4 stars; one submission).

Conditions:
TMEM67-related disorder. Also called: TMEM67-related disorders; TMEM67-related condition. Identifiers: MedGen CN239423.

gnomAD v4.1: 2 of 1,612,730 alleles (0.00012%); highest among the groups gnomAD compares: Admixed American, 0.0033%; no homozygotes.

Submission:

PreventionGenetics, part of Exact Sciences
Classification: Uncertain significance for TMEM67-related condition. Last evaluated: 2025-02-21. Review status: criteria provided, single submitter. Criteria: ACMG Guidelines, 2015. Collection method: clinical testing. Allele origin: germline.
Comment: The TMEM67 c.2513A>G variant is predicted to result in the amino acid substitution p.Gln838Arg. To our knowledge, this variant has not been reported in the literature. This variant is reported in 0.0058% of alleles in individuals of Latino descent in gnomAD. At this time, the clinical significance of this variant is uncertain due to the absence of conclusive functional and genetic evidence.